The following is an entry in ClinVar:

ClinVar aggregate classification (germline): Uncertain significance (1 of 4 stars; one submission).

Conditions:
Developmental and epileptic encephalopathy, 36 (DEE36). Also called: ALG13-CDG; Congenital disorder of glycosylation, type Is; Epileptic encephalopathy, early infantile, 36. Identifiers: Orphanet 324422, MedGen C4317295, MONDO:0010472, OMIM 300884.

Submission:

Labcorp Genetics (formerly Invitae), Labcorp
Classification: Uncertain significance for Developmental and epileptic encephalopathy, 36. Last evaluated: 2025-09-21. Review status: criteria provided, single submitter. Criteria: Invitae Variant Classification Sherloc (09022015). Collection method: clinical testing. Allele origin: germline.
Comment: This variant, c.1763_1765del, results in the deletion of 1 amino acid(s) of the ALG13 protein (p.Lys588del), but otherwise preserves the integrity of the reading frame. This variant is present in population databases (rs758481479, gnomAD 0.003%). This variant has been observed in individual(s) with clinical features of ALG13-related conditions (internal data). Experimental studies and prediction algorithms are not available or were not evaluated, and the functional significance of this variant is currently unknown. In summary, the available evidence is currently insufficient to determine the role of this variant in disease. Therefore, it has been classified as a Variant of Uncertain Significance.

NM_001099922.3(ALG13):c.1757AGA[2] (p.Lys588del)

Gene: ALG13 (ALG13 UDP-N-acetylglucosaminyltransferase subunit; plus strand). Cytogenetic location: Xq23.
Variant type: Microsatellite.
Coding change: c.1757AGA[2] on transcript NM_001099922.3 (MANE Select); two copies in a row of the 3-base unit AGA starting at c.1757; the reference has three copies in a row; one copy, 3 bases deleted.
Protein change: p.Lys588del; deletes lysine 588.
Molecular consequence: inframe deletion. On other transcripts: non-coding transcript variant (1).
Genome position (GRCh38, 1-based): chrX:111,726,842-111,726,844, AGA deleted; deleting any 3 consecutive bases within chrX:111,726,836-111,726,844 gives the same sequence; the position shown is the placement nearest the transcript's 3' end. VCF-style (leftmost placement, unchanged base first): chrX-111726835-CAGA-C. GRCh37 (hg19) VCF-style: chrX-110970063-CAGA-C.
Other names: c.1445AGA[2], p.Lys484del (NM_001257230.2, NM_001257234.2, NM_001257237.2); c.1523AGA[2], p.Lys510del (NM_001257231.2); c.1757AGA[2], p.Lys588del (NM_001324292.2); c.1271AGA[2], p.Lys426del (NM_001324293.1); short protein forms K426del, K588del, K484del, K510del.
Identifiers: ClinVar variation 4751177 (VCV004751177.1).